The following is an entry in ClinVar:

NM_001354604.2(MITF):c.512C>T (p.Pro171Leu)

Gene: MITF (melanocyte inducing transcription factor; plus strand). Cytogenetic location: 3p13.
Variant type: single nucleotide variant.
Coding change: c.512C>T on transcript NM_001354604.2 (MANE Select); coding-DNA position 512, C replaced by T.
Protein change: p.Pro171Leu; replaces proline 171 with leucine.
Molecular consequence: missense variant. On other transcripts: intron variant (1).
Genome position (GRCh38, 1-based): chr3:69,937,979, C>T. VCF-style: chr3-69937979-C-T. GRCh37 (hg19) VCF-style: chr3-69987130-C-T.
Other names: c.191C>T, p.Pro64Leu (NM_000248.4, NM_001184968.2, NM_198158.3); c.356C>T, p.Pro119Leu (NM_001184967.2, NM_001354608.2); c.509C>T, p.Pro170Leu (NM_001354605.2, NM_001354606.2, NM_006722.3); c.461C>T, p.Pro154Leu (NM_001354607.2); c.512C>T, p.Pro171Leu (NM_198159.3); c.464C>T, p.Pro155Leu (NM_198177.3); c.93+98C>T (NM_198178.3); short protein forms P119L, P154L, P155L, P170L, P171L, P64L.
Identifiers: ClinVar variation 1715101 (VCV001715101.5), dbSNP rs1328440915, ClinGen allele CA353560600.

ClinVar aggregate classification (germline): Uncertain significance. Review status: criteria provided, multiple submitters, no conflicts (2 of 4 stars). 2 submissions from 2 submitters: Uncertain significance (2). Last evaluated 2025-04-09.

Conditions:
Tietz syndrome (TADS). Also called: ALBINISM-DEAFNESS OF TIETZ; HYPOPIGMENTATION/DEAFNESS OF TIETZ; TIETZ ALBINISM-DEAFNESS SYNDROME. Identifiers: Orphanet 42665, MedGen C0391816, MONDO:0007077, OMIM 103500.
Waardenburg syndrome type 2A (WS2A). Also called: WAARDENBURG SYNDROME WITHOUT DYSTOPIA CANTHORUM. Identifiers: Orphanet 3440, MedGen C1860339, MONDO:0008671, OMIM 193510.
Melanoma, cutaneous malignant, susceptibility to, 8. Also called: Cutaneous malignant melanoma 8; MELANOMA AND RENAL CELL CARCINOMA, SUSCEPTIBILITY TO. Identifiers: Orphanet 293822, MedGen C3152204, MONDO:0013759, OMIM 614456.
Hereditary cancer-predisposing syndrome. Also called: Neoplastic Syndromes, Hereditary; Tumor predisposition; Hereditary Cancer Syndrome; Hereditary neoplastic syndrome. Identifiers: Orphanet 140162, MedGen C0027672, MeSH D009386, MONDO:0015356.

Allele frequency attached by ClinVar (database versions not stated): gnomAD 0.00001.
gnomAD v4.1: 11 of 1,614,068 alleles (0.00068%); highest among the groups gnomAD compares: African/African-American, 0.0013%; no homozygotes.

Submissions (2):

Ambry Genetics
Classification: Uncertain significance for Hereditary cancer-predisposing syndrome. Last evaluated: 2025-04-09. Review status: criteria provided, single submitter. Criteria: Ambry Variant Classification Scheme 2023. Collection method: clinical testing. Allele origin: germline.
Comment: The p.P64L variant (also known as c.191C>T), located in coding exon 2 of the MITF gene, results from a C to T substitution at nucleotide position 191. The proline at codon 64 is replaced by leucine, an amino acid with similar properties. This amino acid position is conserved. In addition, the in silico prediction for this alteration is inconclusive. Based on the available evidence, the clinical significance of this variant remains unclear.

Labcorp Genetics (formerly Invitae), Labcorp
Classification: Uncertain significance for Melanoma, cutaneous malignant, susceptibility to, 8; Waardenburg syndrome type 2A; Tietz syndrome. Last evaluated: 2025-03-18. Review status: criteria provided, single submitter. Criteria: Invitae Variant Classification Sherloc (09022015). Collection method: clinical testing. Allele origin: germline.
Comment: This sequence change replaces proline, which is neutral and non-polar, with leucine, which is neutral and non-polar, at codon 64 of the MITF protein (p.Pro64Leu). This variant is present in population databases (no rsID available, gnomAD 0.003%). This variant has not been reported in the literature in individuals affected with MITF-related conditions. ClinVar contains an entry for this variant (Variation ID: 1715101). Invitae Evidence Modeling of protein sequence and biophysical properties (such as structural, functional, and spatial information, amino acid conservation, physicochemical variation, residue mobility, and thermodynamic stability) indicates that this missense variant is not expected to disrupt MITF protein function with a negative predictive value of 80%. In summary, the available evidence is currently insufficient to determine the role of this variant in disease. Therefore, it has been classified as a Variant of Uncertain Significance.